The following is an entry in ClinVar:

NM_000719.7(CACNA1C):c.2449C>T (p.Pro817Ser)

Gene: CACNA1C (calcium voltage-gated channel subunit alpha1 C; plus strand). Cytogenetic location: 12p13.33.
Variant type: single nucleotide variant.
Coding change: c.2449C>T on transcript NM_000719.7 (MANE Select); coding-DNA position 2449, C replaced by T.
Protein change: p.Pro817Ser; replaces proline 817 with serine.
Molecular consequence: missense variant.
Genome position (GRCh38, 1-based): chr12:2,585,485, C>T. VCF-style: chr12-2585485-C-T. GRCh37 (hg19) VCF-style: chr12-2694651-C-T.
Other names: c.2449C>T, p.Pro817Ser (NM_001129827.2, NM_001129829.2, NM_001129830.3 and 18 more transcripts); c.2440C>T, p.Pro814Ser (NM_001129844.2); c.2449C>T (NM_199460.3); short protein forms P817S, P814S.
Identifiers: ClinVar variation 93399 (VCV000093399.69), dbSNP rs112532048, ClinGen allele CA146895.
Genomic context (GRCh38, chr12:2,585,485, plus strand): 5'-GGGGAATCCAAGGAGGAGAAGATTGAGCTGAAATCCATCACGGCTGACGGAGAGTCTCCA[C>T]CCGCCACCAAGGTGAGGAGCTGTCTCCTTCCTGGAGCTGTGAGGCCGGTGCTGGGGAGGG-3'
Protein context (NP_000710.5, residues 807-827): KSITADGESP[Pro817Ser]ATKINMDDLQ

ClinVar aggregate classification (germline): Benign/Likely benign. Review status: criteria provided, multiple submitters, no conflicts (2 of 4 stars). 15 submissions from 15 submitters: Benign (6); Likely benign (6). 3 of the submissions do not count toward it. Last evaluated 2026-09-01.

Conditions:
CACNA1C-related disorder. Also called: CACNA1C-related condition; CACNA1C-related disorders. Identifiers: MedGen CN381092, MONDO:0700321.
Cardiovascular phenotype. Identifiers: MedGen CN230736.
Long QT syndrome (LQTS). Identifiers: MedGen C0023976, MeSH D008133, MONDO:0002442. Disease mechanism: loss of function. Inheritance: Various modes of inheritance.
Timothy syndrome (TS). Also called: LONG QT SYNDROME WITH SYNDACTYLY. Identifiers: Orphanet 65283, MedGen C1832916, MeSH C536962, MONDO:0010979, OMIM 601005.
Hypertrophic cardiomyopathy. Also called: HYPERTROPHIC MYOCARDIOPATHY. Identifiers: Orphanet 217569, MedGen C0007194, MeSH D002312, MONDO:0005045, HP:0001639.

Allele frequency attached by ClinVar (database versions not stated): 1000 Genomes Project 0.00160; TOPMed 0.00261; gnomAD exomes 0.00428 and 0.00233; 1000 Genomes Project 30x 0.00141; ESP Exome Variant Server 0.00339; gnomAD 0.00267 and 0.00279; ExAC 0.00353.
gnomAD v4.1: 6,380 of 1,561,540 alleles (0.41%); highest among the groups gnomAD compares: Non-Finnish European, 0.51%; 14 homozygotes.

Submissions (15):

CeGaT Center for Human Genetics Tuebingen
Classification: Benign. Last evaluated: 2026-09-01. Review status: criteria provided, single submitter. Criteria: CeGaT Center For Human Genetics Tuebingen Variant Classification Criteria Version 2. Collection method: clinical testing. Allele origin: germline. Affected: yes. Observed: 23 variant alleles.
Comment: CACNA1C: BS1, BS2

Labcorp Genetics (formerly Invitae), Labcorp
Classification: Benign for Long QT syndrome. Last evaluated: 2026-02-03. Review status: criteria provided, single submitter. Criteria: Invitae Variant Classification Sherloc (09022015). Collection method: clinical testing. Allele origin: germline.

Mayo Clinic Laboratories, Mayo Clinic
Classification: Likely benign. Last evaluated: 2025-04-29. Review status: criteria provided, single submitter. Criteria: ACMG Guidelines, 2015. Collection method: clinical testing. Allele origin: germline. Observed: 7 variant alleles.
Comment: BS1

Molecular Diagnostic Laboratory for Inherited Cardiovascular Disease, Montreal Heart Institute
Classification: Likely benign. Last evaluated: 2025-04-09. Review status: criteria provided, single submitter. Criteria: ACMG Guidelines, 2015. Collection method: clinical testing. Allele origin: germline. Affected: no.

Blueprint Genetics
Classification: Likely benign. Last evaluated: 2024-11-21. Review status: criteria provided, single submitter. Criteria: ACMG Guidelines, 2015. Collection method: clinical testing. Allele origin: germline.

ARUP Laboratories, Molecular Genetics and Genomics, ARUP Laboratories
Classification: Benign. Last evaluated: 2024-07-16. Review status: criteria provided, single submitter. Criteria: ARUP Molecular Germline Variant Investigation Process 2024. Collection method: clinical testing. Allele origin: germline.

Victorian Clinical Genetics Services, Murdoch Childrens Research Institute
Classification: Likely benign for Timothy syndrome. Last evaluated: 2020-10-19. Review status: criteria provided, single submitter. Criteria: ACMG Guidelines, 2015. Collection method: clinical testing. Allele origin: germline. Inheritance: Autosomal dominant inheritance.
Comment: Based on the classification scheme VCGS_Germline_v1.3.3, this variant is classified as likely benign. Following criteria are met: 0101 - Gain of function is a known mechanism of disease in this gene and is associated with Long QT syndrome 8 (MIM #618447), and Timothy syndrome (MIM#601005). Missense variants result in loss of channel inactivation, and increased current (OMIM, PMID: 25260352). (I) 0107 - This gene is associated with autosomal dominant disease. (I) 0200 - Variant is predicted to result in a missense amino acid change from proline to serine. (I) 0251 - This variant is heterozygous. (I) 0308 - Population frequency for this variant is out of keeping with known incidence of Timothy syndrome and LQTS. Variant is present in gnomAD (503 heterozygotes (v2), 1 homozygote (v3)). (SB) 0502 - Missense variant with conflicting in silico predictions and uninformative conservation. (I) 0805 - This variant has strong previous evidence of being benign in unrelated individuals. This variant has one likely benign and five benign entries in ClinVar. (SB) 1208 - Inheritance information for this variant is not currently available in this individual. (I) Legend: (SP) - Supporting pathogenic, (I) - Information, (SB) - Supporting benign

Center for Advanced Laboratory Medicine, UC San Diego Health, University of California San Diego
Classification: Benign for Hypertrophic cardiomyopathy. Last evaluated: 2018-02-07. Review status: criteria provided, single submitter. Criteria: ACMG Guidelines, 2015. Collection method: clinical testing. Allele origin: germline. Affected: yes. Observed: 1 variant allele.

Ambry Genetics
Classification: Benign for Cardiovascular phenotype. Last evaluated: 2017-12-27. Review status: criteria provided, single submitter. Criteria: Ambry Variant Classification Scheme 2023. Collection method: clinical testing. Allele origin: germline.

Eurofins Ntd Llc (ga)
Classification: Likely benign. Last evaluated: 2017-06-22. Review status: criteria provided, single submitter. Criteria: EGL Classification Definitions 2015. Collection method: clinical testing. Allele origin: germline. Observed: 1 variant allele, 1 heterozygote.

GeneDx
Classification: Benign. Last evaluated: 2015-03-03. Review status: criteria provided, single submitter. Criteria: GeneDx Variant Classification Process June 2021. Collection method: clinical testing. Allele origin: germline. Affected: yes.
Comment: This variant is associated with the following publications: (PMID: 24439875)

Breakthrough Genomics
Classification: Likely benign. Review status: criteria provided, single submitter. Criteria: ACMG Guidelines, 2015. Collection method: not provided. Allele origin: germline. Inheritance: Autosomal dominant inheritance. Affected: yes.

PreventionGenetics, part of Exact Sciences
Classification: Benign for CACNA1C-related condition. Last evaluated: 2019-05-17. Review status: no assertion criteria provided. Collection method: clinical testing. Allele origin: germline. Not counted in ClinVar's aggregate classification.
Comment: This variant is classified as benign based on ACMG/AMP sequence variant interpretation guidelines (Richards et al. 2015 PMID: 25741868, with internal and published modifications).

Genome Diagnostics Laboratory, University Medical Center Utrecht
Classification: Likely benign. Review status: no assertion criteria provided. Collection method: clinical testing. Allele origin: germline. Affected: yes. Study: VKGL Data-share Consensus. Not counted in ClinVar's aggregate classification.

Joint Genome Diagnostic Labs from Nijmegen and Maastricht, Radboudumc and MUMC+
Classification: Benign. Review status: no assertion criteria provided. Collection method: clinical testing. Allele origin: germline. Affected: yes. Study: VKGL Data-share Consensus. Not counted in ClinVar's aggregate classification.

Literature cited by the submitters: PubMed 25260352 (cited by Victorian Clinical Genetics Services, Murdoch Childrens Research Institute); PubMed 20817017 (cited by Ambry Genetics); PubMed 22840528 (cited by Ambry Genetics); PubMed 24439875 (cited by Ambry Genetics); PubMed 26230511 (cited by Ambry Genetics); PubMed 26498160 (cited by Ambry Genetics).